The following is an entry in ClinVar:

ClinVar aggregate classification (germline): Benign. Review status: criteria provided, multiple submitters, no conflicts (2 of 4 stars). 3 submissions from 3 submitters: Benign (2). 1 of the submissions does not count toward it. Last evaluated 2021-04-11.

Conditions:
NIPBL-related disorder. Also called: NIPBL-related condition.

Allele frequency attached by ClinVar (database versions not stated): gnomAD exomes 0.00133 and 0.01087; gnomAD 0.00745 and 0.00781; 1000 Genomes Project 0.01238; ExAC 0.03860.
gnomAD v4.1: 551 of 61,094 alleles (0.9%); highest among the groups gnomAD compares: East Asian, 4.9%; 12 homozygotes.

Submissions (3):

GeneDx
Classification: Benign. Last evaluated: 2021-04-11. Review status: criteria provided, single submitter. Criteria: GeneDx Variant Classification Process June 2021. Collection method: clinical testing. Allele origin: germline. Affected: yes.

Breakthrough Genomics
Classification: Benign. Review status: criteria provided, single submitter. Criteria: ACMG Guidelines, 2015. Collection method: not provided. Allele origin: germline. Inheritance: Autosomal dominant inheritance. Affected: yes.

PreventionGenetics, part of Exact Sciences
Classification: Likely benign for NIPBL-related condition. Last evaluated: 2021-10-01. Review status: no assertion criteria provided. Collection method: clinical testing. Allele origin: germline. Not counted in ClinVar's aggregate classification.
Comment: This variant is classified as likely benign based on ACMG/AMP sequence variant interpretation guidelines (Richards et al. 2015 PMID: 25741868, with internal and published modifications).

NM_133433.4(NIPBL):c.5863-30A>G

Gene: NIPBL (NIPBL cohesin loading factor; plus strand). Cytogenetic location: 5p13.2.
Variant type: single nucleotide variant.
Coding change: c.5863-30A>G on transcript NM_133433.4 (MANE Select); 30 bases into the intron before coding-DNA position 5863, A replaced by G.
Molecular consequence: intron variant.
Genome position (GRCh38, 1-based): chr5:37,036,349, A>G. VCF-style: chr5-37036349-A-G. GRCh37 (hg19) VCF-style: chr5-37036451-A-G.
Other names: c.5863-30A>G (NM_015384.5, NM_133433.3).
Identifiers: ClinVar variation 1244294 (VCV001244294.5), dbSNP rs199888273, ClinGen allele CA3236891.